The following is an entry in ClinVar:

ClinVar aggregate classification (germline): Pathogenic (1 of 4 stars; one submission).

Conditions:
Hereditary breast ovarian cancer syndrome. Also called: Hereditary breast and ovarian cancer syndrome; Hereditary breast and ovarian cancer; Hereditary breast and ovarian cancer syndrome (HBOC); Breast and ovarian cancer; Hereditary breast and/or ovarian cancer syndrome; BRCA1- and BRCA2-Associated Hereditary Breast and Ovarian Cancer. Identifiers: Orphanet 145, MedGen C0677776, MeSH D061325, MONDO:0003582. Disease mechanism: loss of function.

Submission:

Labcorp Genetics (formerly Invitae), Labcorp
Classification: Pathogenic for Hereditary breast ovarian cancer syndrome. Last evaluated: 2023-04-11. Review status: criteria provided, single submitter. Criteria: Invitae Variant Classification Sherloc (09022015). Collection method: clinical testing. Allele origin: unknown.
Comment: For these reasons, this variant has been classified as Pathogenic. This variant is also known as del exons 16-20. A similar copy number variant has been observed in individual(s) with breast and/or ovarian cancer (PMID: 16715518). This variant is a gross deletion of the genomic region encompassing exon(s) 15-19 of the BRCA1 gene. This deletion is out-of-frame, and is expected to create a premature termination codon and result in an absent or disrupted protein product. Loss-of-function variants in BRCA1 are known to be pathogenic (PMID: 20104584).

Literature cited by the submitters: PubMed 16715518; PubMed 20104584.

NC_000017.10:g.(?_41209048)_(41223340_?)del

Gene: BRCA1 (BRCA1 DNA repair associated; minus strand). Cytogenetic location: 17q21.31.
Variant type: Deletion.
Identifiers: ClinVar variation 3242988 (VCV003242988.1).